The following is an entry in ClinVar:

NM_001114753.3(ENG):c.973C>T (p.Leu325Phe)

Gene: ENG (endoglin; minus strand). Cytogenetic location: 9q34.11.
Variant type: single nucleotide variant.
Coding change: c.973C>T on transcript NM_001114753.3 (MANE Select); coding-DNA position 973, C replaced by T.
Protein change: p.Leu325Phe; replaces leucine 325 with phenylalanine.
Molecular consequence: missense variant.
Genome position (GRCh38, 1-based): chr9:127,824,818, G>A on the plus strand (C>T on the coding strand, the complement: ENG is on the minus strand). VCF-style: chr9-127824818-G-A. GRCh37 (hg19) VCF-style: chr9-130587097-G-A.
Other names: c.973C>T, p.Leu325Phe (NM_000118.4, NM_001406715.1); c.427C>T, p.Leu143Phe (NM_001278138.2); short protein forms L143F, L325F.
Identifiers: ClinVar variation 4870405 (VCV004870405.1).

ClinVar aggregate classification (germline): Uncertain significance (1 of 4 stars; one submission).

Conditions:
Cardiovascular phenotype. Identifiers: MedGen CN230736.

Submission:

Ambry Genetics
Classification: Uncertain significance for Cardiovascular phenotype. Last evaluated: 2026-03-23. Review status: criteria provided, single submitter. Criteria: Ambry Variant Classification Scheme 2023. Collection method: clinical testing. Allele origin: germline.
Comment: The p.L325F variant (also known as c.973C>T), located in coding exon 7 of the ENG gene, results from a C to T substitution at nucleotide position 973. The leucine at codon 325 is replaced by phenylalanine, an amino acid with highly similar properties. This amino acid position is conserved. In addition, this alteration is predicted to be tolerated by in silico analysis. Based on the available evidence, the clinical significance of this variant remains unclear.